The following is an entry in ClinVar:

ClinVar aggregate classification (germline): Uncertain significance (1 of 4 stars; one submission).

Conditions:
Peroxisome biogenesis disorder 3A (Zellweger). Also called: PEROXISOMAL BIOGENESIS DISORDER 3A (ZELLWEGER); Peroxisome biogenesis disorder 3A. Identifiers: Orphanet 912, MedGen C3553929, MONDO:0013927, OMIM 614859.

Allele frequency attached by ClinVar (database versions not stated): gnomAD exomes below 0.00001; TOPMed below 0.00001.
gnomAD v4.1: 2 of 1,613,834 alleles (0.00012%); highest among the groups gnomAD compares: Non-Finnish European, 0.00017%; no homozygotes.

Submission:

Labcorp Genetics (formerly Invitae), Labcorp
Classification: Uncertain significance for Peroxisome biogenesis disorder 3A (Zellweger). Last evaluated: 2024-02-17. Review status: criteria provided, single submitter. Criteria: Invitae Variant Classification Sherloc (09022015). Collection method: clinical testing. Allele origin: germline.
Comment: This sequence change replaces leucine, which is neutral and non-polar, with histidine, which is basic and polar, at codon 68 of the PEX12 protein (p.Leu68His). This variant is not present in population databases (gnomAD no frequency). This variant has not been reported in the literature in individuals affected with PEX12-related conditions. ClinVar contains an entry for this variant (Variation ID: 938397). Advanced modeling of protein sequence and biophysical properties (such as structural, functional, and spatial information, amino acid conservation, physicochemical variation, residue mobility, and thermodynamic stability) performed at Invitae indicates that this missense variant is expected to disrupt PEX12 protein function with a positive predictive value of 80%. In summary, the available evidence is currently insufficient to determine the role of this variant in disease. Therefore, it has been classified as a Variant of Uncertain Significance.

NM_000286.3(PEX12):c.203T>A (p.Leu68His)

Gene: PEX12 (peroxisomal biogenesis factor 12; minus strand). Cytogenetic location: 17q12.
Variant type: single nucleotide variant.
Coding change: c.203T>A on transcript NM_000286.3 (MANE Select); coding-DNA position 203, T replaced by A.
Protein change: p.Leu68His; replaces leucine 68 with histidine.
Molecular consequence: missense variant.
Genome position (GRCh38, 1-based): chr17:35,577,515, A>T on the plus strand (T>A on the coding strand, the complement: PEX12 is on the minus strand). VCF-style: chr17-35577515-A-T. GRCh37 (hg19) VCF-style: chr17-33904534-A-T.
Other names: short protein forms L68H.
Identifiers: ClinVar variation 938397 (VCV000938397.9), dbSNP rs2072793797, ClinGen allele CA399138638.
Genomic context (GRCh38, chr17:35,577,515, plus strand): 5'-CCGTAAAAGTTTTCAGAAAATGAGGCACTGGTTCTAGACAGATAATGTTGCTGGAGCAGA[A>T]GATCTAGCAGAGTAAAGATTTCATCAAACCACCTCCACAAGAAGCCATAGTGGGTGGGAT-3'
Protein context (NP_000277.1, residues 58-78): WFDEIFTLLD[Leu68His]LLQQHYLSRT